The following is an entry in ClinVar:

ClinVar aggregate classification (germline): Pathogenic (1 of 4 stars; one submission).

Conditions:
Lethal congenital glycogen storage disease of heart. Also called: GLYCOGEN STORAGE DISEASE OF HEART; PHOSPHORYLASE KINASE DEFICIENCY OF HEART. Identifiers: Orphanet 439854, MedGen C1849813, MONDO:0009867, OMIM 261740.

Submission:

Labcorp Genetics (formerly Invitae), Labcorp
Classification: Pathogenic for Lethal congenital glycogen storage disease of heart. Last evaluated: 2021-07-16. Review status: criteria provided, single submitter. Criteria: Invitae Variant Classification Sherloc (09022015). Collection method: clinical testing. Allele origin: germline.
Comment: This variant disrupts the p.His530 amino acid residue in PRKAG2. Other variant(s) that disrupt this residue have been determined to be pathogenic (PMID: 18403758, 26085771, 27189955; Invitae). This suggests that this residue is clinically significant, and that variants that disrupt this residue are likely to be disease-causing. For these reasons, this variant has been classified as Pathogenic. Algorithms developed to predict the effect of missense changes on protein structure and function (SIFT, PolyPhen-2, Align-GVGD) all suggest that this variant is likely to be disruptive. ClinVar contains an entry for this variant (Variation ID: 855977). This variant has been observed in individual(s) with PRKAG2-related conditions (Invitae). In at least one individual the variant was observed to be de novo. This variant is not present in population databases (ExAC no frequency). This sequence change replaces histidine with aspartic acid at codon 530 of the PRKAG2 protein (p.His530Asp). The histidine residue is highly conserved and there is a moderate physicochemical difference between histidine and aspartic acid.

Literature cited by the submitters: PubMed 18403758; PubMed 26085771; PubMed 27189955.

NM_016203.4(PRKAG2):c.1588C>G (p.His530Asp)

Gene: PRKAG2 (protein kinase AMP-activated non-catalytic subunit gamma 2; minus strand). Cytogenetic location: 7q36.1.
Variant type: single nucleotide variant.
Coding change: c.1588C>G on transcript NM_016203.4 (MANE Select); coding-DNA position 1588, C replaced by G.
Protein change: p.His530Asp; replaces histidine 530 with aspartic acid.
Molecular consequence: missense variant.
Genome position (GRCh38, 1-based): chr7:151,560,614, G>C on the plus strand (C>G on the coding strand, the complement: PRKAG2 is on the minus strand). VCF-style: chr7-151560614-G-C. GRCh37 (hg19) VCF-style: chr7-151257700-G-C.
Other names: c.1456C>G, p.His486Asp (NM_001040633.2); c.1213C>G, p.His405Asp (NM_001304527.2); c.865C>G, p.His289Asp (NM_001304531.2, NM_024429.2); c.1216C>G, p.His406Asp (NM_001363698.2); short protein forms H289D, H486D, H406D, H530D, H405D.
Identifiers: ClinVar variation 855977 (VCV000855977.6), dbSNP rs1804721948, ClinGen allele CA370070403.